The following is an entry in ClinVar:

NM_018706.7(DHTKD1):c.1262A>G (p.Lys421Arg)

Gene: DHTKD1 (dehydrogenase E1 and transketolase domain containing 1; plus strand). Cytogenetic location: 10p14.
Variant type: single nucleotide variant.
Coding change: c.1262A>G on transcript NM_018706.7 (MANE Select); coding-DNA position 1262, A replaced by G.
Protein change: p.Lys421Arg; replaces lysine 421 with arginine.
Molecular consequence: missense variant.
Genome position (GRCh38, 1-based): chr10:12,094,175, A>G. VCF-style: chr10-12094175-A-G. GRCh37 (hg19) VCF-style: chr10-12136174-A-G.
Other names: short protein forms K421R.
Identifiers: ClinVar variation 743045 (VCV000743045.9), dbSNP rs34033944, ClinGen allele CA5407798.

ClinVar aggregate classification (germline): Likely benign. Review status: criteria provided, single submitter (1 of 4 stars). 2 submissions from 2 submitters: Likely benign (1). 1 of the submissions does not count toward it. Last evaluated 2026-01-19.

Conditions:
2-aminoadipic 2-oxoadipic aciduria (AAKAD). Also called: ALPHA-AMINOADIPIC AND ALPHA-KETOADIPIC ACIDURIA; Aminoadipic aciduria. Identifiers: Orphanet 79154, MedGen C1859817, MONDO:0008774, OMIM 204750.
DHTKD1-related disorder. Also called: DHTKD1-related condition.

Allele frequency attached by ClinVar (database versions not stated): gnomAD exomes 0.00006 and 0.00020; ExAC 0.00026; ESP Exome Variant Server 0.00054; 1000 Genomes Project 0.00060; 1000 Genomes Project 30x 0.00062; gnomAD 0.00075 and 0.00084; TOPMed 0.00089.

Submissions (2):

Labcorp Genetics (formerly Invitae), Labcorp
Classification: Likely benign for 2-aminoadipic 2-oxoadipic aciduria. Last evaluated: 2026-01-19. Review status: criteria provided, single submitter. Criteria: Invitae Variant Classification Sherloc (09022015). Collection method: clinical testing. Allele origin: germline.

PreventionGenetics, part of Exact Sciences
Classification: Likely benign for DHTKD1-related condition. Last evaluated: 2023-08-28. Review status: no assertion criteria provided. Collection method: clinical testing. Allele origin: germline. Not counted in ClinVar's aggregate classification.
Comment: This variant is classified as likely benign based on ACMG/AMP sequence variant interpretation guidelines (Richards et al. 2015 PMID: 25741868, with internal and published modifications).